The following is an entry in ClinVar:

ClinVar aggregate classification (germline): Uncertain significance (1 of 4 stars; one submission).

Submission:

Laboratorio de Genetica e Diagnostico Molecular, Hospital Israelita Albert Einstein
Classification: Uncertain significance. Last evaluated: 2021-06-10. Review status: criteria provided, single submitter. Criteria: ACMG Guidelines, 2015. Collection method: clinical testing. Allele origin: germline. Affected: yes.
Comment: ACMG classification criteria: PM2

NM_001127178.3(PIGG):c.1614+156T>A

Gene: PIGG (phosphatidylinositol glycan anchor biosynthesis class G (EMM blood group); plus strand). Cytogenetic location: 4p16.3.
Variant type: single nucleotide variant.
Coding change: c.1614+156T>A on transcript NM_001127178.3 (MANE Select); 156 bases into the intron after coding-DNA position 1614, T replaced by A.
Molecular consequence: intron variant. On other transcripts: 3 prime UTR variant (3), missense variant (1), non-coding transcript variant (1).
Genome position (GRCh38, 1-based): chr4:522,097, T>A. VCF-style: chr4-522097-T-A. GRCh37 (hg19) VCF-style: chr4-515886-T-A.
Other names: c.*60T>A (NM_001289053.2); c.*332T>A (NM_001289055.2); c.*385T>A (NM_001289057.2); c.1723T>A, p.Trp575Arg (NM_001345989.2); c.516+156T>A (NM_001345994.2); c.1347+156T>A (NM_001345986.2, NM_001289051.2); c.1323+156T>A (NM_001345987.2); c.81+156T>A (NM_001345991.2, NM_001345990.2); and 3 more; short protein forms W575R.
Identifiers: ClinVar variation 1690387 (VCV001690387.2), dbSNP rs2108952792, ClinGen allele CA2573137501.